The following is an entry in ClinVar:

ClinVar aggregate classification (germline): Uncertain significance (1 of 4 stars; one submission).

Allele frequency attached by ClinVar (database versions not stated): ExAC 0.00004; gnomAD exomes 0.00004; 1000 Genomes Project 30x 0.00016; gnomAD 0.00017; 1000 Genomes Project 0.00020; TOPMed 0.00030.
gnomAD v4.1: 81 of 1,614,120 alleles (0.005%); highest among the groups gnomAD compares: Admixed American, 0.053%; no homozygotes.

Submission:

Labcorp Genetics (formerly Invitae), Labcorp
Classification: Uncertain significance. Last evaluated: 2025-10-08. Review status: criteria provided, single submitter. Criteria: Invitae Variant Classification Sherloc (09022015). Collection method: clinical testing. Allele origin: germline.
Comment: This sequence change replaces tyrosine, which is neutral and polar, with cysteine, which is neutral and slightly polar, at codon 455 of the RFWD3 protein (p.Tyr455Cys). This variant is present in population databases (rs200354694, gnomAD 0.006%). This variant has not been reported in the literature in individuals affected with RFWD3-related conditions. ClinVar contains an entry for this variant (Variation ID: 2149749). An algorithm developed to predict the effect of missense changes on protein structure and function (PolyPhen-2) suggests that this variant is likely to be disruptive. In summary, the available evidence is currently insufficient to determine the role of this variant in disease. Therefore, it has been classified as a Variant of Uncertain Significance.

NM_018124.4(RFWD3):c.1364A>G (p.Tyr455Cys)

Gene: RFWD3 (ring finger and WD repeat domain 3; minus strand). Cytogenetic location: 16q23.1.
Variant type: single nucleotide variant.
Coding change: c.1364A>G on transcript NM_018124.4 (MANE Select); coding-DNA position 1364, A replaced by G.
Protein change: p.Tyr455Cys; replaces tyrosine 455 with cysteine.
Molecular consequence: missense variant.
Genome position (GRCh38, 1-based): chr16:74,636,408, T>C on the plus strand (A>G on the coding strand, the complement: RFWD3 is on the minus strand). VCF-style: chr16-74636408-T-C. GRCh37 (hg19) VCF-style: chr16-74670306-T-C.
Other names: c.1364A>G, p.Tyr455Cys (NM_001370534.1, NM_001370535.1, NM_001370536.1); c.530A>G, p.Tyr177Cys (NM_001370537.1, NM_001370539.1, NM_001370540.1 and 3 more transcripts); short protein forms Y177C, Y455C.
Identifiers: ClinVar variation 2149749 (VCV002149749.4), dbSNP rs200354694, ClinGen allele CA8169239.